The following is an entry in ClinVar:

ClinVar aggregate classification (germline): Uncertain significance. Review status: criteria provided, multiple submitters, no conflicts (2 of 4 stars). 2 submissions from 2 submitters: Uncertain significance (2). Last evaluated 2023-10-06.

Conditions:
Inborn genetic diseases. Identifiers: MedGen C0950123, MeSH D030342.

Submissions (2):

GeneDx
Classification: Uncertain significance. Last evaluated: 2023-10-06. Review status: criteria provided, single submitter. Criteria: GeneDx Variant Classification Process June 2021. Collection method: clinical testing. Allele origin: germline. Affected: yes.
Comment: Not observed at significant frequency in large population cohorts (gnomAD); In silico analysis supports a deleterious effect on splicing; This variant is associated with the following publications: (PMID: 27499327, 27835667)

Ambry Genetics
Classification: Uncertain significance for Inborn genetic diseases. Last evaluated: 2023-04-17. Review status: criteria provided, single submitter. Criteria: Ambry Variant Classification Scheme 2023. Collection method: clinical testing. Allele origin: germline.
Comment: The c.10818+4A>G intronic alteration consists of a A to G substitution nucleotides after coding exon 36 in the PKD1 gene. Based on insufficient or conflicting evidence, the clinical significance of this alteration remains unclear.

Literature cited by the submitters: PubMed 27835667 (cited by Ambry Genetics).

NM_001009944.3(PKD1):c.10821+4A>G

Genes: PKD1 (polycystin 1, transient receptor potential channel interacting; minus strand), PKD1-AS1 (PKD1 antisense RNA 1; plus strand). Cytogenetic location: 16p13.3.
Variant type: single nucleotide variant.
Coding change: c.10821+4A>G on transcript NM_001009944.3 (MANE Select); 4 bases into the intron after coding-DNA position 10821, A replaced by G.
Molecular consequence: intron variant.
Genome position (GRCh38, 1-based): chr16:2,093,807, T>C on the plus strand (A>G on the coding strand, the complement: PKD1 is on the minus strand). VCF-style: chr16-2093807-T-C. GRCh37 (hg19) VCF-style: chr16-2143808-T-C.
Other names: c.10818+4A>G (NM_000296.4).
Identifiers: ClinVar variation 2530583 (VCV002530583.3), dbSNP rs2544649806, ClinGen allele CA2580613388.